The following is an entry in ClinVar:

ClinVar aggregate classification (germline): Likely benign (1 of 4 stars; one submission).

gnomAD v4.1: 471 of 1,614,174 alleles (0.029%); highest among the groups gnomAD compares: East Asian, 0.75%; 2 homozygotes.

Submission:

Mayo Clinic Laboratories, Mayo Clinic
Classification: Likely benign. Last evaluated: 2024-10-11. Review status: criteria provided, single submitter. Criteria: ACMG Guidelines, 2015. Collection method: clinical testing. Allele origin: germline. Observed: 2 variant alleles.
Comment: BS1, BP4

Literature cited by the submitters: PubMed 34813128.

NM_004184.4(WARS1):c.160G>T (p.Ala54Ser)

Gene: WARS1 (tryptophanyl-tRNA synthetase 1; minus strand). Cytogenetic location: 14q32.2.
Variant type: single nucleotide variant.
Coding change: c.160G>T on transcript NM_004184.4 (MANE Select); coding-DNA position 160, G replaced by T.
Protein change: p.Ala54Ser; replaces alanine 54 with serine.
Molecular consequence: missense variant.
Genome position (GRCh38, 1-based): chr14:100,361,861, C>A on the plus strand (G>T on the coding strand, the complement: WARS1 is on the minus strand). VCF-style: chr14-100361861-C-A. GRCh37 (hg19) VCF-style: chr14-100828198-C-A.
Other names: p.Ala54Ser; c.160G>T, p.Ala54Ser (NM_173701.2); c.37G>T, p.Ala13Ser (NM_213645.2, NM_213646.2); short protein forms A13S, A54S.
Identifiers: ClinVar variation 4683932 (VCV004683932.1).